The following is an entry in ClinVar:

ClinVar aggregate classification (germline): Benign (1 of 4 stars; one submission).

Conditions:
Vitreoretinopathy. Also called: Vitreoretinal degeneration. Identifiers: MedGen C0344290, MONDO:0020248, HP:0007773.

Allele frequency attached by ClinVar (database versions not stated): gnomAD 0.00455 and 0.00460; 1000 Genomes Project 0.00479; 1000 Genomes Project 30x 0.00625; TOPMed 0.00693.

Submission:

Illumina Laboratory Services, Illumina
Classification: Benign for Vitreoretinopathy. Last evaluated: 2018-01-12. Review status: criteria provided, single submitter. Criteria: ICSL Variant Classification Criteria 13 December 2019. Collection method: clinical testing. Allele origin: germline.
Comment: This variant was observed in the ICSL laboratory as part of a predisposition screen in an ostensibly healthy population. It had not been previously curated by ICSL or reported in the Human Gene Mutation Database (HGMD: prior to June 1st, 2018), and was therefore a candidate for classification through an automated scoring system. Utilizing variant allele frequency, disease prevalence and penetrance estimates, and inheritance mode, an automated score was calculated to assess if this variant is too frequent to cause the disease. Based on the score and internal cut-off values, a variant classified as benign is not then subjected to further curation. The score for this variant resulted in a classification of benign for this disease.

NM_004385.5(VCAN):c.*1614G>T

Gene: VCAN (versican; plus strand). Cytogenetic location: 5q14.3.
Variant type: single nucleotide variant.
Coding change: c.*1614G>T on transcript NM_004385.5 (MANE Select); 1614 bases downstream of the stop codon, G replaced by T.
Molecular consequence: 3 prime UTR variant.
Genome position (GRCh38, 1-based): chr5:83,582,048, G>T. VCF-style: chr5-83582048-G-T. GRCh37 (hg19) VCF-style: chr5-82877867-G-T.
Other names: c.*1614G>T (NM_001126336.3, NM_001164097.2, NM_001164098.2).
Identifiers: ClinVar variation 354497 (VCV000354497.6), dbSNP rs145490018, ClinGen allele CA10625336.